The following is an entry in ClinVar:

ClinVar aggregate classification (germline): Uncertain significance. Review status: criteria provided, multiple submitters, no conflicts (2 of 4 stars). 2 submissions from 2 submitters: Uncertain significance (2). Last evaluated 2026-09-01.

Conditions:
SORL1-related disorder. Also called: SORL1-related condition.

Allele frequency attached by ClinVar (database versions not stated): gnomAD exomes below 0.00001; TOPMed below 0.00001.
gnomAD v4.1: 7 of 1,614,162 alleles (0.00043%); highest among the groups gnomAD compares: East Asian, 0.011%; no homozygotes.

Submissions (2):

PreventionGenetics, part of Exact Sciences
Classification: Uncertain significance for SORL1-related condition. Last evaluated: 2026-09-01. Review status: criteria provided, single submitter. Criteria: ACMG Guidelines, 2015. Collection method: clinical testing. Allele origin: germline.
Comment: The SORL1 c.2615C>T variant is predicted to result in the amino acid substitution p.Ser872Phe. To our knowledge, this variant has not been reported in the literature. This variant is reported in 0.027% of alleles in individuals of East Asian descent in gnomAD. At this time, the clinical significance of this variant is uncertain due to the absence of conclusive functional and genetic evidence.

Ambry Genetics
Classification: Uncertain significance. Last evaluated: 2023-02-28. Review status: criteria provided, single submitter. Criteria: Ambry Variant Classification Scheme 2023. Collection method: clinical testing. Allele origin: germline.

NM_003105.6(SORL1):c.2615C>T (p.Ser872Phe)

Gene: SORL1 (sortilin related receptor 1; plus strand). Cytogenetic location: 11q24.1.
Variant type: single nucleotide variant.
Coding change: c.2615C>T on transcript NM_003105.6 (MANE Select); coding-DNA position 2615, C replaced by T.
Protein change: p.Ser872Phe; replaces serine 872 with phenylalanine.
Molecular consequence: missense variant.
Genome position (GRCh38, 1-based): chr11:121,557,357, C>T. VCF-style: chr11-121557357-C-T. GRCh37 (hg19) VCF-style: chr11-121428066-C-T.
Other names: short protein forms S872F.
Identifiers: ClinVar variation 2491241 (VCV002491241.3), dbSNP rs998593664, ClinGen allele CA229901398.